The following is an entry in ClinVar:

NM_000168.6(GLI3):c.776C>G (p.Ala259Gly)

Gene: GLI3 (GLI family zinc finger 3; minus strand). Cytogenetic location: 7p14.1.
Variant type: single nucleotide variant.
Coding change: c.776C>G on transcript NM_000168.6 (MANE Select); coding-DNA position 776, C replaced by G.
Protein change: p.Ala259Gly; replaces alanine 259 with glycine.
Molecular consequence: missense variant.
Genome position (GRCh38, 1-based): chr7:42,045,434, G>C on the plus strand (C>G on the coding strand, the complement: GLI3 is on the minus strand). VCF-style: chr7-42045434-G-C. GRCh37 (hg19) VCF-style: chr7-42085033-G-C.
Other names: short protein forms A259G.
Identifiers: ClinVar variation 910150 (VCV000910150.11), dbSNP rs565817241, ClinGen allele CA4231069.

ClinVar aggregate classification (germline): Conflicting classifications of pathogenicity. Review status: criteria provided, conflicting classifications (1 of 4 stars). 5 submissions from 4 submitters: Uncertain significance (4); Likely benign (1). Last evaluated 2024-06-19.

Conditions:
Polydactyly, postaxial, type A1. Identifiers: MedGen C4282400, MONDO:0008266, OMIM 174200.
Pallister-Hall syndrome (PHS). Also called: HYPOTHALAMIC HAMARTOBLASTOMA, HYPOPITUITARISM, IMPERFORATE ANUS, AND POSTAXIAL POLYDACTYLY; GLI3-Related Pallister-Hall Syndrome. Identifiers: Orphanet 672, MedGen C0265220, MONDO:0007804, OMIM 146510.
Greig cephalopolysyndactyly syndrome (GCPS). Also called: Greig syndrome; POLYSYNDACTYLY WITH PECULIAR SKULL SHAPE; GLI3-Related Greig Cephalopolysyndactyly Syndrome. Identifiers: Orphanet 380, MedGen C0265306, MONDO:0008287, OMIM 175700.
Polysyndactyly 4. Also called: Polysyndactyly uncomplicated; Preaxial polydactyly 4. Identifiers: Orphanet 93338, MedGen C1868111, MONDO:0008272, OMIM 174700.
Polydactyly. Also called: polydactylism. Identifiers: MedGen C0152427, MONDO:0021003, OMIM 603596, HP:0010442.

Allele frequency attached by ClinVar (database versions not stated): TOPMed 0.00001.
gnomAD v4.1: 10 of 1,613,892 alleles (0.00062%); highest among the groups gnomAD compares: Admixed American, 0.0033%; no homozygotes.

Submissions (5):

Fulgent Genetics
Classification: Uncertain significance for Pallister-Hall syndrome; Polydactyly, postaxial, type A1; Polysyndactyly 4; Greig cephalopolysyndactyly syndrome. Last evaluated: 2024-06-19. Review status: criteria provided, single submitter. Criteria: ACMG Guidelines, 2015. Collection method: clinical testing. Allele origin: germline.

Labcorp Genetics (formerly Invitae), Labcorp
Classification: Likely benign for Pallister-Hall syndrome; Greig cephalopolysyndactyly syndrome. Last evaluated: 2023-12-06. Review status: criteria provided, single submitter. Criteria: Invitae Variant Classification Sherloc (09022015). Collection method: clinical testing. Allele origin: germline.

New York Genome Center
Classification: Uncertain significance for Greig cephalopolysyndactyly syndrome. Last evaluated: 2021-06-21. Review status: criteria provided, single submitter. Criteria: NYGC Assertion Criteria 2020. Collection method: clinical testing. Allele origin: inherited. Observed: 1 heterozygote. Study: CSER-NYCKidSeq.

Illumina Laboratory Services, Illumina
Classification: Uncertain significance for Greig cephalopolysyndactyly syndrome. Last evaluated: 2017-04-27. Review status: criteria provided, single submitter. Criteria: ICSL Variant Classification Criteria 13 December 2019. Collection method: clinical testing. Allele origin: germline.

Illumina Laboratory Services, Illumina
Classification: Uncertain significance for Polydactyly. Last evaluated: 2017-04-27. Review status: criteria provided, single submitter. Criteria: ICSL Variant Classification Criteria 13 December 2019. Collection method: clinical testing. Allele origin: germline.